The following is an entry in ClinVar:

ClinVar aggregate classification (germline): Uncertain significance. Review status: criteria provided, multiple submitters, no conflicts (2 of 4 stars). 2 submissions from 2 submitters: Uncertain significance (2). Last evaluated 2023-12-31.

Conditions:
Hereditary cancer-predisposing syndrome. Also called: Hereditary neoplastic syndrome; Neoplastic Syndromes, Hereditary; Tumor predisposition; Hereditary Cancer Syndrome. Identifiers: Orphanet 140162, MedGen C0027672, MeSH D009386, MONDO:0015356.
Hereditary diffuse gastric adenocarcinoma (HDGC). Also called: DIFFUSE GASTRIC AND LOBULAR BREAST CANCER SYNDROME. Identifiers: Orphanet 26106, MedGen C1708349, MONDO:0007648, OMIM 137215.

Allele frequency attached by ClinVar (database versions not stated): gnomAD exomes below 0.00001.
gnomAD v4.1: 1 of 1,613,988 alleles (0.000062%); highest among the groups gnomAD compares: South Asian, 0.0011%; no homozygotes.

Submissions (2):

Labcorp Genetics (formerly Invitae), Labcorp
Classification: Uncertain significance for Hereditary diffuse gastric adenocarcinoma. Last evaluated: 2023-12-31. Review status: criteria provided, single submitter. Criteria: Invitae Variant Classification Sherloc (09022015). Collection method: clinical testing. Allele origin: germline.
Comment: This sequence change replaces isoleucine, which is neutral and non-polar, with valine, which is neutral and non-polar, at codon 811 of the CDH1 protein (p.Ile811Val). This variant is not present in population databases (gnomAD no frequency). This variant has not been reported in the literature in individuals affected with CDH1-related conditions. ClinVar contains an entry for this variant (Variation ID: 463760). An algorithm developed to predict the effect of missense changes on protein structure and function (PolyPhen-2) suggests that this variant is likely to be disruptive. In summary, the available evidence is currently insufficient to determine the role of this variant in disease. Therefore, it has been classified as a Variant of Uncertain Significance.

Ambry Genetics
Classification: Uncertain significance for Hereditary cancer-predisposing syndrome. Last evaluated: 2019-09-30. Review status: criteria provided, single submitter. Criteria: Ambry Variant Classification Scheme 2023. Collection method: clinical testing. Allele origin: germline.
Comment: The p.I811V variant (also known as c.2431A>G), located in coding exon 15 of the CDH1 gene, results from an A to G substitution at nucleotide position 2431. The isoleucine at codon 811 is replaced by valine, an amino acid with highly similar properties. This amino acid position is highly conserved in available vertebrate species. In addition, the in silico prediction for this alteration is inconclusive. Since supporting evidence is limited at this time, the clinical significance of this alteration remains unclear.

NM_004360.5(CDH1):c.2431A>G (p.Ile811Val)

Gene: CDH1 (cadherin 1; plus strand). Cytogenetic location: 16q22.1.
Variant type: single nucleotide variant.
Coding change: c.2431A>G on transcript NM_004360.5 (MANE Select); coding-DNA position 2431, A replaced by G.
Protein change: p.Ile811Val; replaces isoleucine 811 with valine.
Molecular consequence: missense variant.
Genome position (GRCh38, 1-based): chr16:68,829,789, A>G. VCF-style: chr16-68829789-A-G. GRCh37 (hg19) VCF-style: chr16-68863692-A-G.
Other names: c.2431A>G (LRG_301t1); c.2248A>G, p.Ile750Val (NM_001317184.2); c.883A>G, p.Ile295Val (NM_001317185.2); c.466A>G, p.Ile156Val (NM_001317186.2); short protein forms I811V, I295V, I750V, I156V.
Identifiers: ClinVar variation 463760 (VCV000463760.11), dbSNP rs1555517917, ClinGen allele CA396471360.
Genomic context (GRCh38, chr16:68,829,789, plus strand): 5'-CTCATGAGTGTCCCCCGGTATCTTCCCCGCCCTGCCAATCCCGATGAAATTGGAAATTTT[A>G]TTGATGAAGTAAGTAATCCACGTGGAAAGCCAAAGCATGGCTCATCTCTAAGCTCAGGAG-3'
Protein context (NP_004351.1, residues 801-821): PANPDEIGNF[Ile811Val]DENLKAADTD